The following is an entry in ClinVar:

NM_144670.6(A2ML1):c.1834-20_1887dup

Gene: A2ML1 (alpha-2-macroglobulin like 1; plus strand). Cytogenetic location: 12p13.31.
Variant type: Duplication.
Coding change: c.1834-20_1887dup on transcript NM_144670.6 (MANE Select); 20 bases into the intron before coding-DNA position 1834 through coding-DNA position 1887, 74 bases duplicated.
Molecular consequence: splice acceptor variant.
Genome position (GRCh38, 1-based): chr12:8,848,700-8,848,773, 74 bases duplicated. GRCh37 (hg19): chr12:9,001,296-9,001,369.
Other names: c.361-20_414dup (NM_001282424.3).
Identifiers: ClinVar variation 917658 (VCV000917658.1), dbSNP rs1943785430, ClinGen allele CA1139662505.

ClinVar aggregate classification (germline): Uncertain significance (1 of 4 stars; one submission).

Submission:

Women's Health and Genetics/Laboratory Corporation of America, LabCorp
Classification: Uncertain significance. Last evaluated: 2020-01-20. Review status: criteria provided, single submitter. Criteria: LabCorp Variant Classification Summary - May 2015. Collection method: clinical testing. Allele origin: germline.
Comment: Variant summary: The variant c.1834-20_1887dup74, involves a large duplication that overlaps a splice site, which may affect splicing. Several computational tools predict a significant impact on normal splicing: Four predict the variant creates a 3' acceptor site. Four predict the variant creates a 5' donor site. However, these predictions have yet to be confirmed by functional studies. The variant was absent in 225112 control chromosomes. The available data on variant occurrences in the general population are insufficient to allow any conclusion about variant significance. To our knowledge, no occurrence of c.1834-20_1887dup74 in individuals affected with Noonan Syndrome and no experimental evidence demonstrating its impact on protein function have been reported. No clinical diagnostic laboratories have submitted clinical-significance assessments for this variant to ClinVar after 2014. Based on the evidence outlined above, the variant was classified as uncertain significance.